The following is an entry in ClinVar:

ClinVar aggregate classification (germline): Uncertain significance (1 of 4 stars; one submission).

Conditions:
Seizures, benign familial infantile, 3 (BFIS3). Also called: Familial neonatal seizures; CONVULSIONS, BENIGN FAMILIAL INFANTILE, 3. Identifiers: Orphanet 140927, Orphanet 306, MedGen C1843140, MONDO:0011904, OMIM 607745.
Developmental and epileptic encephalopathy, 11 (DEE11). Also called: Early infantile epileptic encephalopathy 11. Identifiers: Orphanet 1934, MedGen C3150987, MONDO:0013388, OMIM 613721.

Submission:

Labcorp Genetics (formerly Invitae), Labcorp
Classification: Uncertain significance for Seizures, benign familial infantile, 3; Developmental and epileptic encephalopathy, 11. Last evaluated: 2023-12-14. Review status: criteria provided, single submitter. Criteria: Invitae Variant Classification Sherloc (09022015). Collection method: clinical testing. Allele origin: germline.
Comment: This sequence change replaces alanine, which is neutral and non-polar, with glycine, which is neutral and non-polar, at codon 1150 of the SCN2A protein (p.Ala1150Gly). This variant is not present in population databases (gnomAD no frequency). This variant has not been reported in the literature in individuals affected with SCN2A-related conditions. ClinVar contains an entry for this variant (Variation ID: 1502007). Advanced modeling of protein sequence and biophysical properties (such as structural, functional, and spatial information, amino acid conservation, physicochemical variation, residue mobility, and thermodynamic stability) performed at Invitae indicates that this missense variant is not expected to disrupt SCN2A protein function with a negative predictive value of 95%. In summary, the available evidence is currently insufficient to determine the role of this variant in disease. Therefore, it has been classified as a Variant of Uncertain Significance.

NM_001040142.2(SCN2A):c.3449C>G (p.Ala1150Gly)

Gene: SCN2A (sodium voltage-gated channel alpha subunit 2; plus strand). Cytogenetic location: 2q24.3.
Variant type: single nucleotide variant.
Coding change: c.3449C>G on transcript NM_001040142.2 (MANE Select); coding-DNA position 3449, C replaced by G.
Protein change: p.Ala1150Gly; replaces alanine 1150 with glycine.
Molecular consequence: missense variant.
Genome position (GRCh38, 1-based): chr2:165,365,192, C>G. VCF-style: chr2-165365192-C-G. GRCh37 (hg19) VCF-style: chr2-166221702-C-G.
Other names: c.3449C>G, p.Ala1150Gly (NM_001040143.2, NM_001371246.1, NM_001371247.1 and 1 more transcripts); short protein forms A1150G.
Identifiers: ClinVar variation 1502007 (VCV001502007.6), dbSNP rs2105355786, ClinGen allele CA349024637.
Genomic context (GRCh38, chr2:165,365,192, plus strand): 5'-TTGATTTTCAGAAGCTAAATGCAACTAGTTCATCTGAAGGCAGCACGGTTGATATTGGAG[C>G]TCCCGCCGAGGGAGAACAGCCTGAGGTTGAACCTGAGGAATCCCTTGAACCTGAAGCCTG-3'
Protein context (NP_001035232.1, residues 1140-1160): SSEGSTVDIG[Ala1150Gly]PAEGEQPEVE